The following is an entry in ClinVar:

NM_000093.5(COL5A1):c.5365T>C (p.Cys1789Arg)

Genes: COL5A1 (collagen type V alpha 1 chain; plus strand), LOC101448202 (uncharacterized LOC101448202; minus strand). Cytogenetic location: 9q34.3.
Variant type: single nucleotide variant.
Coding change: c.5365T>C on transcript NM_000093.5 (MANE Select); coding-DNA position 5365, T replaced by C.
Protein change: p.Cys1789Arg; replaces cysteine 1789 with arginine.
Molecular consequence: missense variant.
Genome position (GRCh38, 1-based): chr9:134,835,199, T>C. VCF-style: chr9-134835199-T-C. GRCh37 (hg19) VCF-style: chr9-137727045-T-C.
Other names: c.5365T>C, p.Cys1789Arg (NM_001278074.1); short protein forms C1789R.
Identifiers: ClinVar variation 1329590 (VCV001329590.2), dbSNP rs2132926308, ClinGen allele CA375460990.
Genomic context (GRCh38, chr9:134,835,199, plus strand): 5'-TCCAACGACGAGGAGATGTCCTATGACAACAACCCCTACATCCGCGCCCTGGTGGACGGC[T>C]GTGCTGTGAGTATCCCGCGCCGCGCCCAGCACCCCTGCTCACGCCTCCGTGGGGCTCGCT-3'
Protein context (NP_000084.3, residues 1779-1799): NPYIRALVDG[Cys1789Arg]ATKKGYQKTV

ClinVar aggregate classification (germline): Uncertain significance (1 of 4 stars; one submission).

Submission:

GeneDx
Classification: Uncertain significance. Last evaluated: 2021-06-24. Review status: criteria provided, single submitter. Criteria: GeneDx Variant Classification Process June 2021. Collection method: clinical testing. Allele origin: germline. Affected: yes.
Comment: Has not been previously published as pathogenic or benign to our knowledge; Not observed at significant frequency in large population cohorts (Lek et al., 2016); In silico analysis supports that this missense variant has a deleterious effect on protein structure/function; This variant is associated with the following publications: (PMID: 27535533)